The following is an entry in ClinVar:

NM_013275.6(ANKRD11):c.949A>G (p.Asn317Asp)

Gene: ANKRD11 (ankyrin repeat domain 11; minus strand). Cytogenetic location: 16q24.3.
Variant type: single nucleotide variant.
Coding change: c.949A>G on transcript NM_013275.6 (MANE Select); coding-DNA position 949, A replaced by G.
Protein change: p.Asn317Asp; replaces asparagine 317 with aspartic acid.
Molecular consequence: missense variant.
Genome position (GRCh38, 1-based): chr16:89,285,593, T>C on the plus strand (A>G on the coding strand, the complement: ANKRD11 is on the minus strand). VCF-style: chr16-89285593-T-C. GRCh37 (hg19) VCF-style: chr16-89352001-T-C.
Other names: c.949A>G, p.Asn317Asp (NM_001256182.2, NM_001256183.2); short protein forms N317D.
Identifiers: ClinVar variation 2763950 (VCV002763950.3), dbSNP rs2544246887, ClinGen allele CA397166103.

ClinVar aggregate classification (germline): Uncertain significance (1 of 4 stars; one submission).

Conditions:
KBG syndrome (KBGS). Also called: ANKRD11-Related KBG Syndrome. Identifiers: Orphanet 2332, MedGen C0220687, MONDO:0007846, OMIM 148050.

Submission:

Labcorp Genetics (formerly Invitae), Labcorp
Classification: Uncertain significance for KBG syndrome. Last evaluated: 2023-08-30. Review status: criteria provided, single submitter. Criteria: Invitae Variant Classification Sherloc (09022015). Collection method: clinical testing. Allele origin: germline.
Comment: This variant is not present in population databases (gnomAD no frequency). In summary, the available evidence is currently insufficient to determine the role of this variant in disease. Therefore, it has been classified as a Variant of Uncertain Significance. Advanced modeling of protein sequence and biophysical properties (such as structural, functional, and spatial information, amino acid conservation, physicochemical variation, residue mobility, and thermodynamic stability) performed at Invitae indicates that this missense variant is not expected to disrupt ANKRD11 protein function. This variant has not been reported in the literature in individuals affected with ANKRD11-related conditions. This sequence change replaces asparagine, which is neutral and polar, with aspartic acid, which is acidic and polar, at codon 317 of the ANKRD11 protein (p.Asn317Asp).